The following is an entry in ClinVar:

NM_014714.4(IFT140):c.862G>A (p.Gly288Ser)

Genes: IFT140 (intraflagellar transport 140; minus strand), LOC105371046 (uncharacterized LOC105371046; plus strand). Cytogenetic location: 16p13.3.
Variant type: single nucleotide variant.
Coding change: c.862G>A on transcript NM_014714.4 (MANE Select); coding-DNA position 862, G replaced by A.
Protein change: p.Gly288Ser; replaces glycine 288 with serine.
Molecular consequence: missense variant.
Genome position (GRCh38, 1-based): chr16:1,587,973, C>T on the plus strand (G>A on the coding strand, the complement: IFT140 is on the minus strand). VCF-style: chr16-1587973-C-T. GRCh37 (hg19) VCF-style: chr16-1637974-C-T.
Other names: short protein forms G288S.
Identifiers: ClinVar variation 4775587 (VCV004775587.1).
Genomic context (GRCh38, chr16:1,587,973, plus strand): 5'-CTGGAAAGGCAGACTCTCACCTGAGGGCAGCCTCCCCGACGGCCATCACGAGAAGGCTGC[C>T]TTCAATCAAAGCGATGTCTGCCCGGCGGCCGGTTTTCCCGCTCAGCTTGACCTGTGTGAG-3'
Protein context (NP_055529.2, residues 278-298): GRRADIALIE[Gly288Ser]SLLVMAVGEA

ClinVar aggregate classification (germline): Uncertain significance (1 of 4 stars; one submission).

Conditions:
Saldino-Mainzer syndrome (SRTD9). Also called: CONORENAL SYNDROME; Renal dysplasia, retinal pigmentary dystrophy, cerebellar ataxia and skeletal dysplasia; SHORT-RIB THORACIC DYSPLASIA 9 WITHOUT POLYDACTYLY; short-rib thoracic dysplasia 9 with or without polydactyly. Identifiers: Orphanet 140969, MedGen C1849437, MONDO:0009964, OMIM 266920.

gnomAD v4.1: 1 of 1,613,768 alleles (0.000062%); highest among the groups gnomAD compares: Admixed American, 0.0017%; no homozygotes.

Submission:

Labcorp Genetics (formerly Invitae), Labcorp
Classification: Uncertain significance for Saldino-Mainzer syndrome. Last evaluated: 2026-01-04. Review status: criteria provided, single submitter. Criteria: Invitae Variant Classification Sherloc (09022015). Collection method: clinical testing. Allele origin: germline.
Comment: This sequence change replaces glycine, which is neutral and non-polar, with serine, which is neutral and polar, at codon 288 of the IFT140 protein (p.Gly288Ser). This variant is not present in population databases (gnomAD no frequency). This variant has not been reported in the literature in individuals affected with IFT140-related conditions. Invitae Evidence Modeling of protein sequence and biophysical properties (such as structural, functional, and spatial information, amino acid conservation, physicochemical variation, residue mobility, and thermodynamic stability) indicates that this missense variant is not expected to disrupt IFT140 protein function with a negative predictive value of 95%. In summary, the available evidence is currently insufficient to determine the role of this variant in disease. Therefore, it has been classified as a Variant of Uncertain Significance.